The following is an entry in ClinVar:

NM_001256864.2(DNAJC6):c.1004G>A (p.Arg335His)

Gene: DNAJC6 (DnaJ heat shock protein family (Hsp40) member C6; plus strand). Cytogenetic location: 1p31.3.
Variant type: single nucleotide variant.
Coding change: c.1004G>A on transcript NM_001256864.2 (MANE Select); coding-DNA position 1004, G replaced by A.
Protein change: p.Arg335His; replaces arginine 335 with histidine.
Molecular consequence: missense variant.
Genome position (GRCh38, 1-based): chr1:65,386,820, G>A. VCF-style: chr1-65386820-G-A. GRCh37 (hg19) VCF-style: chr1-65852503-G-A.
Other names: p.Arg335His; c.794G>A, p.Arg265His (NM_001256865.2); c.833G>A, p.Arg278His (NM_014787.4); short protein forms R265H, R335H, R278H.
Identifiers: ClinVar variation 2298898 (VCV002298898.4), dbSNP rs761817101, ClinGen allele CA893818.

ClinVar aggregate classification (germline): Uncertain significance. Review status: criteria provided, multiple submitters, no conflicts (2 of 4 stars). 2 submissions from 2 submitters: Uncertain significance (2). Last evaluated 2025-10-09.

Conditions:
Inborn genetic diseases. Identifiers: MedGen C0950123, MeSH D030342.

Allele frequency attached by ClinVar (database versions not stated): gnomAD exomes 0.00008; TOPMed 0.00005; gnomAD 0.00006; ExAC 0.00006.
gnomAD v4.1: 122 of 1,613,800 alleles (0.0076%); highest among the groups gnomAD compares: Non-Finnish European, 0.0096%; no homozygotes.

Submissions (2):

Mayo Clinic Laboratories, Mayo Clinic
Classification: Uncertain significance. Last evaluated: 2025-10-09. Review status: criteria provided, single submitter. Criteria: ACMG Guidelines, 2015. Collection method: clinical testing. Allele origin: germline. Observed: 1 variant allele.
Comment: PP3

Ambry Genetics
Classification: Uncertain significance for Inborn genetic diseases. Last evaluated: 2025-03-31. Review status: criteria provided, single submitter. Criteria: Ambry Variant Classification Scheme 2023. Collection method: clinical testing. Allele origin: germline.